The following is an entry in ClinVar:

NM_001370259.2(MEN1):c.1674G>A (p.Met558Ile)

Gene: MEN1 (menin 1; minus strand). Cytogenetic location: 11q13.1.
Variant type: single nucleotide variant.
Coding change: c.1674G>A on transcript NM_001370259.2 (MANE Select); coding-DNA position 1674, G replaced by A.
Protein change: p.Met558Ile; replaces methionine 558 with isoleucine.
Molecular consequence: missense variant.
Genome position (GRCh38, 1-based): chr11:64,804,493, C>T on the plus strand (G>A on the coding strand, the complement: MEN1 is on the minus strand). VCF-style: chr11-64804493-C-T. GRCh37 (hg19) VCF-style: chr11-64571965-C-T.
Other names: c.1689G>A, p.Met563Ile (NM_000244.4, NM_001407145.1, NM_130800.3 and 4 more transcripts); c.1800G>A, p.Met600Ile (NM_001370251.2, NM_001407142.1, NM_001407143.1 and 1 more transcripts); c.1674G>A, p.Met558Ile (NM_001370260.2, NM_001370261.2, NM_001407146.1 and 2 more transcripts); c.1569G>A, p.Met523Ile (NM_001370262.2, NM_001370263.2, NM_001407148.1 and 1 more transcripts); c.1815G>A, p.Met605Ile (NM_001407150.1); c.1695G>A, p.Met565Ile (NM_001407151.1); c.1509G>A, p.Met503Ile (NM_001407152.1); short protein forms M558I, M523I, M563I, M565I, M600I, M503I, M605I.
Identifiers: ClinVar variation 1777760 (VCV001777760.8), dbSNP rs2136080733, ClinGen allele CA381177751.
Genomic context (GRCh38, chr11:64,804,493, plus strand): 5'-TTGCAGCTTGATGGCGCTCGAGTTGATCTTGGTGGCCACCAGCAGCTCCTTCATGCCCTT[C>T]ATCTTCTCACTCTGGAAAGTGAGCACTGGACCCTCCGGCGGTGGTGATGCTGTGGGTGCT-3'
Protein context (NP_001357188.2, residues 548-568): GPVLTFQSEK[Met558Ile]KGMKELLVAT

ClinVar aggregate classification (germline): Uncertain significance. Review status: criteria provided, multiple submitters, no conflicts (2 of 4 stars). 2 submissions from 2 submitters: Uncertain significance (2). Last evaluated 2026-08-07.

Conditions:
Hereditary cancer-predisposing syndrome. Also called: Hereditary Cancer Syndrome; Hereditary neoplastic syndrome; Neoplastic Syndromes, Hereditary; Tumor predisposition. Identifiers: Orphanet 140162, MedGen C0027672, MeSH D009386, MONDO:0015356.
Multiple endocrine neoplasia, type 1 (MEN1). Also called: MEN I; WERMER SYNDROME; Endocrine adenomatosis multiple; MEN 1; MEA I. Identifiers: Orphanet 652, MedGen C0025267, MeSH D018761, MONDO:0007540, OMIM 131100.

Submissions (2):

Ambry Genetics
Classification: Uncertain significance for Hereditary cancer-predisposing syndrome. Last evaluated: 2026-08-07. Review status: criteria provided, single submitter. Criteria: Ambry Variant Classification Scheme 2023. Collection method: clinical testing. Allele origin: germline.
Comment: The p.M558I variant (also known as c.1674G>A), located in coding exon 9 of the MEN1 gene, results from a G to A substitution at nucleotide position 1674. The methionine at codon 558 is replaced by isoleucine, an amino acid with highly similar properties. This amino acid position is highly conserved in available vertebrate species. In addition, this alteration is predicted to be deleterious by in silico analysis. Since supporting evidence is limited at this time, the clinical significance of this alteration remains unclear.

Labcorp Genetics (formerly Invitae), Labcorp
Classification: Uncertain significance for Multiple endocrine neoplasia, type 1. Last evaluated: 2023-02-26. Review status: criteria provided, single submitter. Criteria: Invitae Variant Classification Sherloc (09022015). Collection method: clinical testing. Allele origin: germline.
Comment: This sequence change replaces methionine, which is neutral and non-polar, with isoleucine, which is neutral and non-polar, at codon 558 of the MEN1 protein (p.Met558Ile). In summary, the available evidence is currently insufficient to determine the role of this variant in disease. Therefore, it has been classified as a Variant of Uncertain Significance. Advanced modeling of protein sequence and biophysical properties (such as structural, functional, and spatial information, amino acid conservation, physicochemical variation, residue mobility, and thermodynamic stability) performed at Invitae indicates that this missense variant is expected to disrupt MEN1 protein function. ClinVar contains an entry for this variant (Variation ID: 1777760). This variant has not been reported in the literature in individuals affected with MEN1-related conditions. This variant is not present in population databases (gnomAD no frequency).